The following is an entry in ClinVar:

ClinVar aggregate classification (germline): Pathogenic. Review status: reviewed by expert panel (3 of 4 stars). 5 submissions from 5 submitters: Pathogenic (1). 4 of the submissions do not count toward it. Last evaluated 2016-09-08.

Conditions:
Hereditary cancer-predisposing syndrome. Also called: Hereditary Cancer Syndrome; Hereditary neoplastic syndrome; Neoplastic Syndromes, Hereditary; Tumor predisposition. Identifiers: Orphanet 140162, MedGen C0027672, MeSH D009386, MONDO:0015356.
Ovarian neoplasm. Also called: Ovarian Neoplasms; Neoplasm of ovary; Ovarian tumor. Identifiers: MedGen C0919267, MeSH D010051, MONDO:0021068, HP:0100615.
Breast-ovarian cancer, familial, susceptibility to, 1 (BROVCA1). Also called: BRCA1 Hereditary Breast and Ovarian Cancer; OVARIAN CANCER, SUSCEPTIBILITY TO. Identifiers: Orphanet 145, MedGen C2676676, MONDO:0011450, OMIM 604370. Disease mechanism: loss of function.

Submissions (5):

Evidence-based Network for the Interpretation of Germline Mutant Alleles (ENIGMA)
Classification: Pathogenic for Breast-ovarian cancer, familial, susceptibility to, 1. Last evaluated: 2016-09-08. Review status: reviewed by expert panel. Criteria: ENIGMA BRCA1/2 Classification Criteria (2015). Collection method: curation. Allele origin: germline.
Comment: Variant allele predicted to encode a truncated non-functional protein.

Ambry Genetics
Classification: Pathogenic for Hereditary cancer-predisposing syndrome. Last evaluated: 2022-07-08. Review status: criteria provided, single submitter. Criteria: Ambry Variant Classification Scheme 2023. Collection method: clinical testing. Allele origin: germline. Not counted in ClinVar's aggregate classification.
Comment: The c.4210delC pathogenic mutation, located in coding exon 11 of the BRCA1 gene, results from a deletion of one nucleotide at nucleotide position 4210, causing a translational frameshift with a predicted alternate stop codon (p.L1404*). This variant is considered to be rare based on population cohorts in the Genome Aggregation Database (gnomAD). In addition to the clinical data presented in the literature, this alteration is expected to result in loss of function by premature protein truncation or nonsense-mediated mRNA decay. As such, this alteration is interpreted as a disease-causing mutation.

Consortium of Investigators of Modifiers of BRCA1/2 (CIMBA), c/o University of Cambridge
Classification: Pathogenic for Breast-ovarian cancer, familial, susceptibility to, 1. Last evaluated: 2015-10-02. Review status: criteria provided, single submitter. Criteria: CIMBA Mutation Classification guidelines May 2016. Collection method: clinical testing. Allele origin: germline. Not counted in ClinVar's aggregate classification.

German Consortium for Hereditary Breast and Ovarian Cancer, University Hospital Cologne
Classification: Pathogenic for Ovarian neoplasm. Last evaluated: 2018-12-01. Review status: no assertion criteria provided. Collection method: research. Allele origin: germline. Affected: yes. Not counted in ClinVar's aggregate classification.

Breast Cancer Information Core (BIC) (BRCA1)
Classification: Pathogenic for Breast-ovarian cancer, familial 1. Last evaluated: 2002-06-20. Review status: no assertion criteria provided. Collection method: clinical testing. Allele origin: germline. Affected: yes. Observed: 1 variant allele. Not counted in ClinVar's aggregate classification.

Literature cited by the submitters: PubMed 25682074 (cited by Ambry Genetics); PubMed 28145423 (cited by Ambry Genetics).

NM_007294.4(BRCA1):c.4210del (p.Asn1403_Leu1404insTer)

Gene: BRCA1 (BRCA1 DNA repair associated; minus strand). Cytogenetic location: 17q21.31.
Variant type: Deletion.
Coding change: c.4210del on transcript NM_007294.4 (MANE Select); coding-DNA position 4210, one base deleted (C; older notation c.4210delC).
Protein change: p.Asn1403_Leu1404insTer.
Molecular consequence: nonsense. On other transcripts: frameshift variant (366), non-coding transcript variant (1).
Genome position (GRCh38, 1-based): chr17:43,082,551, G deleted on the plus strand (C on the coding strand, the reverse complement: BRCA1 is on the minus strand); the first of 2 consecutive G bases (chr17:43,082,551-43,082,552); deleting either gives the same sequence. VCF-style (leftmost placement, unchanged base first): chr17-43082550-AG-A. GRCh37 (hg19) VCF-style: chr17-41234567-AG-A.
Other names: 4329delC; c.4210delC (NM_007294.3); c.4086delC, p.Leu1363Terfs (NM_001407939.1, NM_001407648.1, NM_001407664.1 and 13 more transcripts); c.4083delC, p.Leu1362Terfs (NM_001407940.1, NM_001407941.1, NM_001407649.1 and 12 more transcripts); c.4068delC, p.Leu1357Terfs (NM_001407942.1, NM_001407944.1, NM_001407945.1 and 22 more transcripts); c.4065delC, p.Leu1356Terfs (NM_001407943.1, NM_001407964.1, NM_001407740.1 and 23 more transcripts); c.3876delC, p.Leu1293Terfs (NM_001407946.1, NM_001407947.1, NM_001407948.1 and 3 more transcripts); c.3873delC, p.Leu1292Terfs (NM_001407952.1, NM_001407953.1, NM_001407954.1 and 3 more transcripts); and 56 more.
Identifiers: ClinVar variation 55142 (VCV000055142.9), dbSNP rs80357765, ClinGen allele CA002712.
Genomic context (GRCh38, chr17:43,082,550, plus strand): 5'-TGGCTCCCATGCTGTTCTAACACAGCTTCTAGTTCAGCCATTTCCTGCTGGAGCTTTATC[AG>A]GTTATGTTGCATGGTATCCCTCTGCTTCAAAAACGATAAATGGCACCAAGAAAATGAAAT-3'